The following is an entry in ClinVar:

ClinVar aggregate classification (germline): Uncertain significance (1 of 4 stars; one submission).

Submission:

Labcorp Genetics (formerly Invitae), Labcorp
Classification: Uncertain significance. Last evaluated: 2024-02-02. Review status: criteria provided, single submitter. Criteria: Invitae Variant Classification Sherloc (09022015). Collection method: clinical testing. Allele origin: germline.
Comment: This sequence change affects codon 318 of the EMC1 mRNA. It is a 'silent' change, meaning that it does not change the encoded amino acid sequence of the EMC1 protein. This variant also falls at the last nucleotide of exon 8, which is part of the consensus splice site for this exon. This variant is not present in population databases (gnomAD no frequency). This variant has not been reported in the literature in individuals affected with EMC1-related conditions. Variants that disrupt the consensus splice site are a relatively common cause of aberrant splicing (PMID: 17576681, 9536098). Algorithms developed to predict the effect of sequence changes on RNA splicing suggest that this variant may disrupt the consensus splice site. In summary, the available evidence is currently insufficient to determine the role of this variant in disease. Therefore, it has been classified as a Variant of Uncertain Significance.

Literature cited by the submitters: PubMed 17576681; PubMed 9536098.

NM_015047.3(EMC1):c.954G>A (p.Gln318=)

Genes: EMC1 (ER membrane protein complex subunit 1; minus strand), EMC1-AS1 (EMC1 antisense RNA 1; plus strand). Cytogenetic location: 1p36.13.
Variant type: single nucleotide variant.
Coding change: c.954G>A on transcript NM_015047.3 (MANE Select); coding-DNA position 954, G replaced by A.
Protein change: p.Gln318=; no amino-acid change (glutamine 318 retained).
Molecular consequence: synonymous variant.
Genome position (GRCh38, 1-based): chr1:19,239,818, C>T on the plus strand (G>A on the coding strand, the complement: EMC1 is on the minus strand). VCF-style: chr1-19239818-C-T. GRCh37 (hg19) VCF-style: chr1-19566312-C-T.
Other names: c.954G>A, p.Gln318= (NM_001271427.2, NM_001271428.2, NM_001375820.1 and 1 more transcripts); c.888G>A, p.Gln296= (NM_001271429.2).
Identifiers: ClinVar variation 3681268 (VCV003681268.2).